The following is an entry in ClinVar:

ClinVar aggregate classification (germline): Pathogenic/Likely pathogenic. Review status: criteria provided, multiple submitters, no conflicts (2 of 4 stars). 9 submissions from 9 submitters: Pathogenic (3); Likely pathogenic (5). 1 of the submissions does not count toward it. Last evaluated 2026-08-25.

Conditions:
NPTX1-related condition.
Spinocerebellar ataxia 50 (SCA50). Identifiers: MedGen C5774272, MONDO:0859334, OMIM 620158.
Inborn genetic diseases. Identifiers: MedGen C0950123, MeSH D030342.
NPTX1-related disorders.

Allele frequency attached by ClinVar (database versions not stated): gnomAD exomes below 0.00001 and 0.00001; TOPMed below 0.00001; gnomAD 0.00001.
gnomAD v4.1: 6 of 1,613,626 alleles (0.00037%); highest among the groups gnomAD compares: Non-Finnish European, 0.00034%; no homozygotes.

Submissions (9):

Ambry Genetics
Classification: Likely pathogenic for Inborn genetic diseases. Last evaluated: 2026-08-25. Review status: criteria provided, single submitter. Criteria: Ambry Variant Classification Scheme 2023. Collection method: clinical testing. Allele origin: germline.
Comment: The c.1165G>A (p.G389R) alteration is located in exon 5 (coding exon 5) of the NPTX1 gene. This alteration results from a G to A substitution at nucleotide position 1165, causing the glycine (G) at amino acid position 389 to be replaced by an arginine (R). Based on data from gnomAD, the A allele has an overall frequency of <0.001% (1/251148) total alleles studied. The highest observed frequency was 0.001% (1/113534) of European (non-Finnish) alleles. This variant was identified in one or more individuals with features consistent with NPTX1-related cerebellar ataxia and segregated with disease in at least one family (Coutelier, 2022; Helmchen, 2022; Dalla Zanna, 2025; Ambry internal data). This amino acid position is well conserved in available vertebrate species. Functional analysis demonstrated that the p.G389R variant increased aggregated endoplasmic reticulum morphology, triggered hyperplasia of the endoplasmic reticulum, induced ATF6-mediated endoplasmic reticulum stress, and increased cytotoxicity (Coutelier, 2022). This alteration is predicted to be tolerated by in silico analysis. Based on the available evidence, this alteration is classified as likely pathogenic.

GeneDx
Classification: Pathogenic. Last evaluated: 2026-06-30. Review status: criteria provided, single submitter. Criteria: GeneDx Variant Classification Process June 2021. Collection method: clinical testing. Allele origin: germline.
Comment: Segregates with disease in many affected individuals with NPTX1-related features from several families in published literature (PMID: 34788392, 35288776); Published functional studies suggest a damaging effect on endoplasmic reticulum morphology and increased cytotoxicity (PMID: 34788392); Not observed at significant frequency in large population cohorts (gnomAD); In silico analysis suggests that this missense variant does not alter protein structure/function; This variant is associated with the following publications: (PMID: 35288776, 34788392)

PreventionGenetics, part of Exact Sciences
Classification: Likely pathogenic for NPTX1-related condition. Last evaluated: 2025-08-31. Review status: criteria provided, single submitter. Criteria: ACMG Guidelines, 2015. Collection method: clinical testing. Allele origin: germline.
Comment: The NPTX1 c.1165G>A variant is predicted to result in the amino acid substitution p.Gly389Arg. This variant has been reported to segregate with disease in many individuals from at least five families affected with cerebellar ataxia (Coutelier et al. 2022. PubMed ID: 34788392; Helmchen et al. 2022. PubMed ID: 35288776). Functional studies have shown that the p.Gly389Arg variant induces aggregation and fission of the endoplasmic reticulum (ER), resulting in increased ER stress and cytotoxicity (Coutelier et al. 2022. PubMed ID: 34788392). This variant is reported in 0.00088% of alleles in individuals of European (Non-Finnish) descent in gnomAD. This variant is interpreted as likely pathogenic.

Variantyx, Inc.
Classification: Likely pathogenic for Spinocerebellar ataxia 50. Last evaluated: 2025-08-09. Review status: criteria provided, single submitter. Criteria: Variantyx Assertion Criteria 2022. Collection method: clinical testing. Allele origin: germline. Inheritance: Autosomal dominant inheritance. Affected: yes.
Comment: This is a nonsynonymous variant in the NPTX1 gene (OMIM: 602367). Pathogenic variants in this gene have been associated with autosomal dominant spinocerebellar ataxia 50. This variant has been reported in at least 3 unrelated affected individuals (PMID: 34788392) (PS4_Moderate) and it has been observed to segregate with disease in at least 13 individuals from 3 families (PMID: 34788392) (PP1). Functional studies have shown that this variant alters NPTX1 protein function (PMID: 34788392) (PS3_Moderate). This variant has a 0.0010% maximum allele frequency in non-founder control populations (PM2). Based on the current evidence, this variant is classified as likely pathogenic for autosomal dominant spinocerebellar ataxia 50.

CeGaT Center for Human Genetics Tuebingen
Classification: Pathogenic. Last evaluated: 2025-04-01. Review status: criteria provided, single submitter. Criteria: CeGaT Center For Human Genetics Tuebingen Variant Classification Criteria Version 2. Collection method: clinical testing. Allele origin: germline. Affected: yes. Observed: 1 variant allele.
Comment: NPTX1: PP1:Strong, PS4, PM2:Supporting, PP2, PS3:Supporting

Blueprint Genetics
Classification: Likely pathogenic for NPTX1-related disorders. Last evaluated: 2024-08-12. Review status: criteria provided, single submitter. Criteria: ACMG Guidelines, 2015. Collection method: clinical testing. Allele origin: germline. Affected: yes. Observed: 3 variant alleles.

3billion
Classification: Pathogenic for Spinocerebellar ataxia 50. Last evaluated: 2024-05-22. Review status: criteria provided, single submitter. Criteria: ACMG Guidelines, 2015. Collection method: clinical testing. Allele origin: germline. Affected: yes.
Comment: The variant is observed at an extremely low frequency in the gnomAD v4.0.0 dataset (total allele frequency: <0.001%). Predicted Consequence/Location: Missense changes are a common disease-causing mechanism. Functional studies provide strong evidence of the variant having a damaging effect on the gene or gene product (PMID: 34788392). Same nucleotide change resulting in same amino acid change has been previously reported as pathogenic/likely pathogenic with strong evidence (ClinVar ID: VCV001184956 /PMID: 34788392). The variant has been reported to co-segregate with the disease in at least 7 similarly affected relatives/individuals in at least two unrelated families (PMID: 34788392). Therefore, this variant is classified as Pathogenic according to the recommendation of ACMG/AMP guideline.

Institute of Medical Genetics and Applied Genomics, University Hospital Tübingen
Classification: Likely pathogenic. Last evaluated: 2021-06-17. Review status: criteria provided, single submitter. Criteria: ACMG Guidelines, 2015. Collection method: clinical testing. Allele origin: germline. Inheritance: Autosomal dominant inheritance. Affected: yes.

OMIM
Classification: Pathogenic for SPINOCEREBELLAR ATAXIA 50. Last evaluated: 2022-12-20. Review status: no assertion criteria provided. Collection method: literature only. Allele origin: germline. Not counted in ClinVar's aggregate classification.

Literature cited by the submitters: PubMed 34788392 (cited by 4 submitters); PubMed 35288776 (cited by Ambry Genetics); PubMed 40956878 (cited by Ambry Genetics); PubMed 34460014 (cited by Variantyx, Inc.).

NM_002522.4(NPTX1):c.1165G>A (p.Gly389Arg)

Gene: NPTX1 (neuronal pentraxin 1; minus strand). Cytogenetic location: 17q25.3.
Variant type: single nucleotide variant.
Coding change: c.1165G>A on transcript NM_002522.4 (MANE Select); coding-DNA position 1165, G replaced by A.
Protein change: p.Gly389Arg; replaces glycine 389 with arginine.
Molecular consequence: missense variant.
Genome position (GRCh38, 1-based): chr17:80,470,947, C>T on the plus strand (G>A on the coding strand, the complement: NPTX1 is on the minus strand). VCF-style: chr17-80470947-C-T. GRCh37 (hg19) VCF-style: chr17-78444747-C-T.
Other names: NPTX1, GLY389ARG (rs1466750124); short protein forms G389R.
Identifiers: ClinVar variation 1184956 (VCV001184956.16), dbSNP rs1466750124, ClinGen allele CA401383604.